The following is an entry in ClinVar:

ClinVar aggregate classification (germline): Likely pathogenic (3 of 4 stars; one submission).

Conditions:
Phenylketonuria (PKU). Also called: FOLLING DISEASE; Phenylketonuria (PKU); OLIGOPHRENIA PHENYLPYRUVICA; Phenylketonurias. Identifiers: Orphanet 716, MedGen C0031485, MONDO:0009861, OMIM 261600. Disease mechanism: loss of function.

Submission:

ClinGen PAH Variant Curation Expert Panel
Classification: Likely pathogenic for Phenylketonuria. Last evaluated: 2019-04-07. Review status: reviewed by expert panel. Criteria: ClinGen PAH ACMG Specifications v1. Collection method: curation. Allele origin: germline. Inheritance: Autosomal recessive inheritance.
Comment: The c.494C>A (p.Ala165Asp) variant in PAH has been reported in multiple individuals with PKU (BH4 deficiency excluded). (PP4_Moderate; PMID: 26503515). This variant is absent in population databases (PM2). This variant was detected with pathogenic variants p.R111X and p.R176X (PM3; PMID: 23225039). Computational evidence support a deleterious effect (PP3). In summary, this variant meets criteria to be classified as likely pathogenic for PAH. PAH-specific ACMG/AMP criteria applied: PP4_Moderate, PM2, PM3, PP3.

Literature cited by the submitters: PubMed 23225039; PubMed 26503515.

NM_000277.3(PAH):c.494C>A (p.Ala165Asp)

Gene: PAH (phenylalanine hydroxylase; minus strand). Cytogenetic location: 12q23.2.
Variant type: single nucleotide variant.
Coding change: c.494C>A on transcript NM_000277.3 (MANE Select); coding-DNA position 494, C replaced by A.
Protein change: p.Ala165Asp; replaces alanine 165 with aspartic acid.
Molecular consequence: missense variant.
Genome position (GRCh38, 1-based): chr12:102,866,611, G>T on the plus strand (C>A on the coding strand, the complement: PAH is on the minus strand). VCF-style: chr12-102866611-G-T. GRCh37 (hg19) VCF-style: chr12-103260389-G-T.
Other names: c.494C>A, p.Ala165Asp (NM_001354304.2); short protein forms A165D.
Identifiers: ClinVar variation 805818 (VCV000805818.1), dbSNP rs1592961381, ClinGen allele CA16020800.